The following is an entry in ClinVar:

NM_002396.5(ME2):c.1349G>A (p.Gly450Glu)

Gene: ME2 (malic enzyme 2; plus strand). Cytogenetic location: 18q21.2.
Variant type: single nucleotide variant.
Coding change: c.1349G>A on transcript NM_002396.5 (MANE Select); coding-DNA position 1349, G replaced by A.
Protein change: p.Gly450Glu; replaces glycine 450 with glutamic acid.
Molecular consequence: missense variant. On other transcripts: non-coding transcript variant (1).
Genome position (GRCh38, 1-based): chr18:50,932,292, G>A. VCF-style: chr18-50932292-G-A. GRCh37 (hg19) VCF-style: chr18-48458662-G-A.
Other names: c.1349G>A, p.Gly450Glu (NM_001168335.2); short protein forms G450E.
Identifiers: ClinVar variation 3060471 (VCV003060471.2), dbSNP rs649224, ClinGen allele CA8965340.

ClinVar aggregate classification (germline): Benign (0 of 4 stars; one submission).

Conditions:
ME2-related disorder. Also called: ME2-related condition.

Allele frequency attached by ClinVar (database versions not stated): ExAC 0.09708; gnomAD 0.14198; ESP Exome Variant Server 0.14747; TOPMed 0.15143; 1000 Genomes Project 0.15615; 1000 Genomes Project 30x 0.16396.
gnomAD v4.1: 144,952 of 1,611,000 alleles (9%); highest among the groups gnomAD compares: African/African-American, 31%; 8,917 homozygotes.

Submission:

PreventionGenetics, part of Exact Sciences
Classification: Benign for ME2-related condition. Last evaluated: 2019-11-15. Review status: no assertion criteria provided. Collection method: clinical testing. Allele origin: germline.
Comment: This variant is classified as benign based on ACMG/AMP sequence variant interpretation guidelines (Richards et al. 2015 PMID: 25741868, with internal and published modifications).